The following is an entry in ClinVar:

ClinVar aggregate classification (germline): Likely benign. Review status: criteria provided, multiple submitters, no conflicts (2 of 4 stars). 2 submissions from 2 submitters: Likely benign (2). Last evaluated 2024-07-20.

Conditions:
Tuberous sclerosis 2 (TSC2). Identifiers: Orphanet 805, MedGen C1860707, MONDO:0013199, OMIM 613254.
Tuberous sclerosis syndrome (TSC). Also called: Tuberous Sclerosis Complex; Tuberous sclerosis. Identifiers: Orphanet 805, MedGen C0041341, MONDO:0001734.

Submissions (2):

All of Us Research Program, National Institutes of Health
Classification: Likely benign for Tuberous sclerosis syndrome. Last evaluated: 2024-07-20. Review status: criteria provided, single submitter. Criteria: ACMG Guidelines, 2015. Collection method: clinical testing. Allele origin: germline. Inheritance: Autosomal dominant inheritance. Observed: 1 variant allele, 1 heterozygote.
Comment: This study involves interpretation of variants in research participants for the purpose of population health screening. Participant phenotype was not available at the time of variant classification. Additional details can be found in publication PMID: 35346344, PMCID: PMC8962531

Labcorp Genetics (formerly Invitae), Labcorp
Classification: Likely benign for Tuberous sclerosis 2. Last evaluated: 2024-06-21. Review status: criteria provided, single submitter. Criteria: Invitae Variant Classification Sherloc (09022015). Collection method: clinical testing. Allele origin: germline.

NM_000548.5(TSC2):c.600-15C>A

Gene: TSC2 (TSC complex subunit 2; plus strand). Cytogenetic location: 16p13.3.
Variant type: single nucleotide variant.
Coding change: c.600-15C>A on transcript NM_000548.5 (MANE Select); 15 bases into the intron before coding-DNA position 600, C replaced by A.
Molecular consequence: intron variant.
Genome position (GRCh38, 1-based): chr16:2,056,181, C>A. VCF-style: chr16-2056181-C-A. GRCh37 (hg19) VCF-style: chr16-2106182-C-A.
Other names: c.600-15C>A (NM_001114382.3, NM_021055.3, NM_001370405.1 and 3 more transcripts); c.489-15C>A (NM_001318827.2); c.-1-15C>A (NM_001318831.2); c.453-15C>A (NM_001318829.2); c.633-15C>A (NM_001318832.2).
Identifiers: ClinVar variation 1672837 (VCV001672837.9), dbSNP rs369708731, ClinGen allele CA492956214.